The following is an entry in ClinVar:

ClinVar aggregate classification (germline): Likely benign (0 of 4 stars; one submission).

Conditions:
LRFN5-related disorder. Also called: LRFN5-related condition.

Submission:

PreventionGenetics, part of Exact Sciences
Classification: Likely benign for LRFN5-related condition. Last evaluated: 2019-02-22. Review status: no assertion criteria provided. Collection method: clinical testing. Allele origin: germline.
Comment: This variant is classified as likely benign based on ACMG/AMP sequence variant interpretation guidelines (Richards et al. 2015 PMID: 25741868, with internal and published modifications).

NM_152447.5(LRFN5):c.2143-24CTTTTT[3]

Gene: LRFN5 (leucine rich repeat and fibronectin type III domain containing 5; plus strand). Cytogenetic location: 14q21.1.
Variant type: Microsatellite.
Coding change: c.2143-24CTTTTT[3] on transcript NM_152447.5 (MANE Select); three copies in a row of the 6-base unit CTTTTT starting at c.2143-24.
Molecular consequence: intron variant.
Genome position: GRCh38 VCF-style: chr14-41904133-C-CCTTTTT. GRCh37 (hg19) VCF-style: chr14-42373336-C-CCTTTTT.
Other names: c.*29-24CTTTTT[3] (NM_001330106.2, NM_001346175.2); c.2143-24CTTTTT[3] (NM_001346173.2).
Identifiers: ClinVar variation 3051943 (VCV003051943.2), dbSNP rs376202754, ClinGen allele CA7165697.
Genomic context (GRCh38, chr14:41,904,133, plus strand): 5'-CTAGCACAATGATCTTATTAGCTATGTGTTTTCTTTCTTTCTTCCTTTCTTTCTTTTTTT[C>CCTTTTT]CTTTTTCTTTTTCTTTCATTTCAGAGGCTGGAGTTAATCTGAAGAGCACCACTTCTCCTC-3'